The following is an entry in ClinVar:

ClinVar aggregate classification (germline): Uncertain significance (1 of 4 stars; one submission).

Allele frequency attached by ClinVar (database versions not stated): gnomAD exomes below 0.00001; TOPMed 0.00001.
gnomAD v4.1: 1 of 1,602,468 alleles (0.000062%); highest among the groups gnomAD compares: Non-Finnish European, 0.000085%; no homozygotes.

Submission:

Labcorp Genetics (formerly Invitae), Labcorp
Classification: Uncertain significance. Last evaluated: 2022-07-11. Review status: criteria provided, single submitter. Criteria: Invitae Variant Classification Sherloc (09022015). Collection method: clinical testing. Allele origin: germline.
Comment: In summary, the available evidence is currently insufficient to determine the role of this variant in disease. Therefore, it has been classified as a Variant of Uncertain Significance. Variants that disrupt the consensus splice site are a relatively common cause of aberrant splicing (PMID: 17576681, 9536098). Algorithms developed to predict the effect of sequence changes on RNA splicing suggest that this variant is not likely to affect RNA splicing. This variant has not been reported in the literature in individuals affected with TAF2-related conditions. The frequency data for this variant in the population databases is considered unreliable, as metrics indicate poor data quality at this position in the gnomAD database. This sequence change falls in intron 2 of the TAF2 gene. It does not directly change the encoded amino acid sequence of the TAF2 protein. It affects a nucleotide within the consensus splice site.

Literature cited by the submitters: PubMed 17576681; PubMed 9536098.

NM_003184.4(TAF2):c.139-3C>T

Gene: TAF2 (TATA-box binding protein associated factor 2; minus strand). Cytogenetic location: 8q24.12.
Variant type: single nucleotide variant.
Coding change: c.139-3C>T on transcript NM_003184.4 (MANE Select); 3 bases into the intron before coding-DNA position 139, C replaced by T.
Molecular consequence: intron variant.
Genome position (GRCh38, 1-based): chr8:119,819,509, G>A on the plus strand (C>T on the coding strand, the complement: TAF2 is on the minus strand). VCF-style: chr8-119819509-G-A. GRCh37 (hg19) VCF-style: chr8-120831749-G-A.
Identifiers: ClinVar variation 2040576 (VCV002040576.4), dbSNP rs997491186, ClinGen allele CA184359756.
Genomic context (GRCh38, chr8:119,819,509, plus strand): 5'-TCAACTTGATTCTATTCAAGTTTGCAACTGTGGGAAATATAGTCAGTTCCACAAATCCCT[G>A]TAAAGATAGAGAATAACAACTTCATTATAAAGACTGGTATGTTTCAGAATATATTTCTTT-3'